The following is an entry in ClinVar:

ClinVar aggregate classification (germline): Uncertain significance. Review status: criteria provided, multiple submitters, no conflicts (2 of 4 stars). 2 submissions from 2 submitters: Uncertain significance (2). Last evaluated 2025-11-20.

Conditions:
Hereditary cancer-predisposing syndrome. Also called: Tumor predisposition; Neoplastic Syndromes, Hereditary; Hereditary Cancer Syndrome; Hereditary neoplastic syndrome. Identifiers: Orphanet 140162, MedGen C0027672, MeSH D009386, MONDO:0015356.
Hereditary breast ovarian cancer syndrome. Also called: Hereditary breast and ovarian cancer syndrome (HBOC); BRCA1- and BRCA2-Associated Hereditary Breast and Ovarian Cancer; Breast and ovarian cancer; Hereditary breast and ovarian cancer; Hereditary breast and ovarian cancer syndrome; Hereditary breast and/or ovarian cancer syndrome. Identifiers: Orphanet 145, MedGen C0677776, MeSH D061325, MONDO:0003582. Disease mechanism: loss of function.

Submissions (2):

Ambry Genetics
Classification: Uncertain significance for Hereditary cancer-predisposing syndrome. Last evaluated: 2025-11-20. Review status: criteria provided, single submitter. Criteria: Ambry Variant Classification Scheme 2023. Collection method: clinical testing. Allele origin: germline.
Comment: The p.R762I variant (also known as c.2285G>T), located in coding exon 9 of the BRCA1 gene, results from a G to T substitution at nucleotide position 2285. The arginine at codon 762 is replaced by isoleucine, an amino acid with similar properties. This amino acid position is well conserved in available vertebrate species. In addition, the in silico prediction for this alteration is inconclusive. Based on the available evidence, the clinical significance of this variant remains unclear.

Labcorp Genetics (formerly Invitae), Labcorp
Classification: Uncertain significance for Hereditary breast ovarian cancer syndrome. Last evaluated: 2024-05-08. Review status: criteria provided, single submitter. Criteria: Invitae Variant Classification Sherloc (09022015). Collection method: clinical testing. Allele origin: germline.
Comment: This sequence change replaces arginine, which is basic and polar, with isoleucine, which is neutral and non-polar, at codon 762 of the BRCA1 protein (p.Arg762Ile). This variant is not present in population databases (gnomAD no frequency). This variant has not been reported in the literature in individuals affected with BRCA1-related conditions. Advanced modeling of protein sequence and biophysical properties (such as structural, functional, and spatial information, amino acid conservation, physicochemical variation, residue mobility, and thermodynamic stability) performed at Invitae indicates that this missense variant is not expected to disrupt BRCA1 protein function with a negative predictive value of 95%. In summary, the available evidence is currently insufficient to determine the role of this variant in disease. Therefore, it has been classified as a Variant of Uncertain Significance.

NM_007294.4(BRCA1):c.2285G>T (p.Arg762Ile)

Gene: BRCA1 (BRCA1 DNA repair associated; minus strand). Cytogenetic location: 17q21.31.
Variant type: single nucleotide variant.
Coding change: c.2285G>T on transcript NM_007294.4 (MANE Select); coding-DNA position 2285, G replaced by T.
Protein change: p.Arg762Ile; replaces arginine 762 with isoleucine.
Molecular consequence: missense variant. On other transcripts: intron variant (137).
Genome position (GRCh38, 1-based): chr17:43,093,246, C>A on the plus strand (G>T on the coding strand, the complement: BRCA1 is on the minus strand). VCF-style: chr17-43093246-C-A. GRCh37 (hg19) VCF-style: chr17-41245263-C-A.
Other names: c.2141G>T, p.Arg714Ile (NM_001407749.1, NM_001407838.1, NM_001407839.1 and 20 more transcripts); c.2144G>T, p.Arg715Ile (NM_001407750.1, NM_001407751.1, NM_001407752.1 and 29 more transcripts); c.2072G>T, p.Arg691Ile (NM_001407853.1, NM_001407894.1, NM_001407895.1 and 9 more transcripts); c.2285G>T, p.Arg762Ile (NM_001407854.1, NM_001407858.1, NM_001407859.1 and 30 more transcripts); c.2282G>T, p.Arg761Ile (NM_001407860.1, NM_001407861.1, NM_001407587.1 and 22 more transcripts); c.2084G>T, p.Arg695Ile (NM_001407862.1); c.2162G>T, p.Arg721Ile (NM_001407863.1, NM_001407919.1, NM_001407937.1 and 19 more transcripts); c.2081G>T, p.Arg694Ile (NM_001407874.1, NM_001407875.1); and 41 more; short protein forms R634I, R635I, R673I, R714I, R721I, R762I, R466I, R651I.
Identifiers: ClinVar variation 3685463 (VCV003685463.3).